The following is an entry in ClinVar:

NM_001040151.2(SCN3B):c.55+7A>G

Gene: SCN3B (sodium voltage-gated channel beta subunit 3; minus strand). Cytogenetic location: 11q24.1.
Variant type: single nucleotide variant.
Coding change: c.55+7A>G on transcript NM_001040151.2 (MANE Select); 7 bases into the intron after coding-DNA position 55, A replaced by G.
Molecular consequence: intron variant.
Genome position (GRCh38, 1-based): chr11:123,653,740, T>C on the plus strand (A>G on the coding strand, the complement: SCN3B is on the minus strand). VCF-style: chr11-123653740-T-C. GRCh37 (hg19) VCF-style: chr11-123524448-T-C.
Other names: c.55+7A>G (NM_018400.4).
Identifiers: ClinVar variation 388069 (VCV000388069.10), dbSNP rs1057522984, ClinGen allele CA16606187.
Genomic context (GRCh38, chr11:123,653,740, plus strand): 5'-AATGTGTTATTATTGTTAGCATTGTTACTGTTACCTGCATCCGGCATGGCGAGGTGCTGG[T>C]ACTTACCCCAGTAGATAAGCACGAGAGAAGCCAGGGGAAACAATCTATTGAAGGCAGGCA-3'

ClinVar aggregate classification (germline): Likely benign. Review status: criteria provided, multiple submitters, no conflicts (2 of 4 stars). 3 submissions from 3 submitters: Likely benign (3). Last evaluated 2023-04-25.

Conditions:
Brugada syndrome 7 (BRGDA7). Identifiers: Orphanet 130, MedGen C2751088, MONDO:0013146, OMIM 613120.

Allele frequency attached by ClinVar (database versions not stated): gnomAD 0.00001; gnomAD exomes 0.00001; TOPMed 0.00002.
gnomAD v4.1: 5 of 1,614,060 alleles (0.00031%); highest among the groups gnomAD compares: Non-Finnish European, 0.00042%; no homozygotes.

Submissions (3):

Blueprint Genetics
Classification: Likely benign. Last evaluated: 2023-04-25. Review status: criteria provided, single submitter. Criteria: ACMG Guidelines, 2015. Collection method: clinical testing. Allele origin: germline.

Labcorp Genetics (formerly Invitae), Labcorp
Classification: Likely benign for Brugada syndrome 7. Last evaluated: 2022-07-25. Review status: criteria provided, single submitter. Criteria: Invitae Variant Classification Sherloc (09022015). Collection method: clinical testing. Allele origin: germline.

GeneDx
Classification: Likely benign. Last evaluated: 2016-07-25. Review status: criteria provided, single submitter. Criteria: GeneDx Variant Classification (06012015). Collection method: clinical testing. Allele origin: germline. Affected: yes.
Comment: This variant is considered likely benign or benign based on one or more of the following criteria: it is a conservative change, it occurs at a poorly conserved position in the protein, it is predicted to be benign by multiple in silico algorithms, and/or has population frequency not consistent with disease.